The following is an entry in ClinVar:

ClinVar aggregate classification (germline): Uncertain significance (1 of 4 stars; one submission).

Conditions:
Cardiomyopathy, familial hypertrophic, 28. Identifiers: MedGen C5543616, MONDO:0030317, OMIM 619402.

Allele frequency attached by ClinVar (database versions not stated): TOPMed below 0.00001; gnomAD 0.00001.
gnomAD v4.1: 20 of 1,614,064 alleles (0.0012%); highest among the groups gnomAD compares: Non-Finnish European, 0.0016%; no homozygotes.

Submission:

Petrovsky National Research Centre of Surgery, The Federal Agency for Scientific Organizations
Classification: Uncertain significance for Cardiomyopathy, familial hypertrophic, 28. Last evaluated: 2024-07-09. Review status: criteria provided, single submitter. Criteria: ACMG Guidelines, 2015. Collection method: clinical testing. Allele origin: germline. Inheritance: Autosomal dominant inheritance. Affected: yes. Observed: 1 heterozygote.
Comment: The NM_001281740.3:c.3362C>T (p.Thr1121Ile) variant is in The Genome Aggregation Database (gnomAD) v4.1.0 with total MAF 0.00001239 (Date of access 08-07-2024). However, in the absence of the functional studies, we could only classify the p.Thr1121Ile genetic variant as a Variant of Uncertain Significance with following criteria: PM2.

NM_001281740.3(FHOD3):c.3362C>T (p.Thr1121Ile)

Gene: FHOD3 (formin homology 2 domain containing 3; plus strand). Cytogenetic location: 18q12.2.
Variant type: single nucleotide variant.
Coding change: c.3362C>T on transcript NM_001281740.3 (MANE Select); coding-DNA position 3362, C replaced by T.
Protein change: p.Thr1121Ile; replaces threonine 1121 with isoleucine.
Molecular consequence: missense variant.
Genome position (GRCh38, 1-based): chr18:36,718,660, C>T. VCF-style: chr18-36718660-C-T. GRCh37 (hg19) VCF-style: chr18-34298623-C-T.
Other names: p.Thr1121Ile; c.2786C>T, p.Thr929Ile (NM_001281739.3); c.2837C>T, p.Thr946Ile (NM_025135.5); short protein forms T1121I, T929I, T946I.
Identifiers: ClinVar variation 3255380 (VCV003255380.2), dbSNP rs1351340564.